The following is an entry in ClinVar:

ClinVar aggregate classification (germline): Uncertain significance. Review status: criteria provided, multiple submitters, no conflicts (2 of 4 stars). 3 submissions from 3 submitters: Uncertain significance (3). Last evaluated 2025-02-25.

Conditions:
Tuberous sclerosis 2 (TSC2). Identifiers: Orphanet 805, MedGen C1860707, MONDO:0013199, OMIM 613254.
Hereditary cancer-predisposing syndrome. Also called: Neoplastic Syndromes, Hereditary; Hereditary Cancer Syndrome; Hereditary neoplastic syndrome; Tumor predisposition. Identifiers: Orphanet 140162, MedGen C0027672, MeSH D009386, MONDO:0015356.

gnomAD v4.1: 10 of 1,611,246 alleles (0.00062%); highest among the groups gnomAD compares: Non-Finnish European, 0.00085%; no homozygotes.

Submissions (3):

Labcorp Genetics (formerly Invitae), Labcorp
Classification: Uncertain significance for Tuberous sclerosis 2. Last evaluated: 2025-02-25. Review status: criteria provided, single submitter. Criteria: Invitae Variant Classification Sherloc (09022015). Collection method: clinical testing. Allele origin: germline.
Comment: This sequence change replaces proline, which is neutral and non-polar, with arginine, which is basic and polar, at codon 1401 of the TSC2 protein (p.Pro1401Arg). This variant is not present in population databases (gnomAD no frequency). This variant has not been reported in the literature in individuals affected with TSC2-related conditions. ClinVar contains an entry for this variant (Variation ID: 824673). Invitae Evidence Modeling of protein sequence and biophysical properties (such as structural, functional, and spatial information, amino acid conservation, physicochemical variation, residue mobility, and thermodynamic stability) indicates that this missense variant is not expected to disrupt TSC2 protein function with a negative predictive value of 95%. In summary, the available evidence is currently insufficient to determine the role of this variant in disease. Therefore, it has been classified as a Variant of Uncertain Significance.

Ambry Genetics
Classification: Uncertain significance for Hereditary cancer-predisposing syndrome. Last evaluated: 2025-01-30. Review status: criteria provided, single submitter. Criteria: Ambry Variant Classification Scheme 2023. Collection method: clinical testing. Allele origin: germline.
Comment: The p.P1401R variant (also known as c.4202C>G), located in coding exon 33 of the TSC2 gene, results from a C to G substitution at nucleotide position 4202. The proline at codon 1401 is replaced by arginine, an amino acid with dissimilar properties. This amino acid position is poorly conserved in available vertebrate species. In addition, the in silico prediction for this alteration is inconclusive. Since supporting evidence is limited at this time, the clinical significance of this alteration remains unclear.

Genome-Nilou Lab
Classification: Uncertain significance for Tuberous sclerosis 2. Last evaluated: 2021-11-07. Review status: criteria provided, single submitter. Criteria: ACMG Guidelines, 2015. Collection method: clinical testing. Allele origin: germline. Affected: no.

NM_000548.5(TSC2):c.4202C>G (p.Pro1401Arg)

Gene: TSC2 (TSC complex subunit 2; plus strand). Cytogenetic location: 16p13.3.
Variant type: single nucleotide variant.
Coding change: c.4202C>G on transcript NM_000548.5 (MANE Select); coding-DNA position 4202, C replaced by G.
Protein change: p.Pro1401Arg; replaces proline 1401 with arginine.
Molecular consequence: missense variant.
Genome position (GRCh38, 1-based): chr16:2,084,424, C>G. VCF-style: chr16-2084424-C-G. GRCh37 (hg19) VCF-style: chr16-2134425-C-G.
Other names: c.4004C>G, p.Pro1335Arg (NM_001363528.2); c.4070C>G, p.Pro1357Arg (NM_001370404.1); c.4073C>G, p.Pro1358Arg (NM_001370405.1, NM_021055.3); c.4001C>G, p.Pro1334Arg (NM_001077183.3); c.4133C>G, p.Pro1378Arg (NM_001114382.3); c.3893C>G, p.Pro1298Arg (NM_001318827.2); c.3857C>G, p.Pro1286Arg (NM_001318829.2); c.3470C>G, p.Pro1157Arg (NM_001318831.2); and 1 more; short protein forms P1298R, P1357R, P1358R, P1157R, P1286R, P1345R, P1378R, P1401R.
Identifiers: ClinVar variation 824673 (VCV000824673.14), dbSNP rs1596416623, ClinGen allele CA394299884.
Genomic context (GRCh38, chr16:2,084,424, plus strand): 5'-CCCTGAGCAAGTCCAGCTCCTCTCCCGAGCTGCAGACTCTGCAGGACATCCTCGGGGACC[C>G]TGGGGACAAGGCCGACGTGGGCCGGCTGAGCCCTGAGGTTAAGGCCCGGTCACAGTCAGG-3'
Protein context (NP_000539.2, residues 1391-1411): LQTLQDILGD[Pro1401Arg]GDKADVGRLS